The following is an entry in ClinVar:

NM_000238.4(KCNH2):c.2504G>A (p.Arg835Gln)

Gene: KCNH2 (potassium voltage-gated channel subfamily H member 2; minus strand). Cytogenetic location: 7q36.1.
Variant type: single nucleotide variant.
Coding change: c.2504G>A on transcript NM_000238.4 (MANE Select); coding-DNA position 2504, G replaced by A.
Protein change: p.Arg835Gln; replaces arginine 835 with glutamine.
Molecular consequence: missense variant. On other transcripts: non-coding transcript variant (2).
Genome position (GRCh38, 1-based): chr7:150,948,944, C>T on the plus strand (G>A on the coding strand, the complement: KCNH2 is on the minus strand). VCF-style: chr7-150948944-C-T. GRCh37 (hg19) VCF-style: chr7-150646032-C-T.
Other names: p.R835Q:CGG>CAG; p.Arg835Gln; c.2216G>A, p.Arg739Gln (NM_001406753.1); c.1484G>A, p.Arg495Gln (NM_172057.3); short protein forms R495Q, R835Q, R739Q.
Identifiers: ClinVar variation 200464 (VCV000200464.12), dbSNP rs794728395, ClinGen allele CA006860.

ClinVar aggregate classification (germline): Uncertain significance. Review status: criteria provided, multiple submitters, no conflicts (2 of 4 stars). 5 submissions from 5 submitters: Uncertain significance (5). Last evaluated 2025-09-20.

Conditions:
Cardiovascular phenotype. Identifiers: MedGen CN230736.
Long QT syndrome 2 (LQT2). Identifiers: Orphanet 101016, Orphanet 768, MedGen C3150943, MONDO:0013367, OMIM 613688.
Short QT syndrome type 1. Identifiers: Orphanet 51083, MedGen C1865020, MONDO:0012312, OMIM 609620.
Long QT syndrome (LQTS). Identifiers: MedGen C0023976, MeSH D008133, MONDO:0002442. Disease mechanism: loss of function. Inheritance: Various modes of inheritance.

Allele frequency attached by ClinVar (database versions not stated): TOPMed 0.00003; gnomAD exomes below 0.00001; gnomAD 0.00002.
gnomAD v4.1: 4 of 1,614,072 alleles (0.00025%); highest among the groups gnomAD compares: African/African-American, 0.0027%; no homozygotes.

Submissions (5):

Labcorp Genetics (formerly Invitae), Labcorp
Classification: Uncertain significance for Long QT syndrome. Last evaluated: 2025-09-20. Review status: criteria provided, single submitter. Criteria: Invitae Variant Classification Sherloc (09022015). Collection method: clinical testing. Allele origin: germline.
Comment: This sequence change replaces arginine, which is basic and polar, with glutamine, which is neutral and polar, at codon 835 of the KCNH2 protein (p.Arg835Gln). This variant is present in population databases (rs794728395, gnomAD 0.008%). This missense change has been observed in individual(s) with clinical features of KCNH2-related conditions (PMID: 25140878, 29247119, 30847666). ClinVar contains an entry for this variant (Variation ID: 200464). An algorithm developed to predict the effect of missense changes on protein structure and function (PolyPhen-2) suggests that this variant is likely to be disruptive. Experimental studies are conflicting or provide insufficient evidence to determine the effect of this variant on KCNH2 function (PMID: 25140878). In summary, the available evidence is currently insufficient to determine the role of this variant in disease. Therefore, it has been classified as a Variant of Uncertain Significance.

Mayo Clinic Laboratories, Mayo Clinic
Classification: Uncertain significance. Last evaluated: 2025-05-11. Review status: criteria provided, single submitter. Criteria: ACMG Guidelines, 2015. Collection method: clinical testing. Allele origin: germline. Observed: 1 variant allele.
Comment: PP3_moderate, PM1, PM2_supporting

Ambry Genetics
Classification: Uncertain significance for Cardiovascular phenotype. Last evaluated: 2023-09-20. Review status: criteria provided, single submitter. Criteria: Ambry Variant Classification Scheme 2023. Collection method: clinical testing. Allele origin: germline.
Comment: The p.R835Q variant (also known as c.2504G>A), located in coding exon 10 of the KCNH2 gene, results from a G to A substitution at nucleotide position 2504. The arginine at codon 835 is replaced by glutamine, an amino acid with highly similar properties. Additionally, this alteration has been detected in a sudden unexplained death cohort and an arrhythmia genetic testing cohort (Lin Y et al. Circ Cardiovasc Genet, 2017 Dec;10:[ePub ahead of print]; van Lint FHM et al. Neth Heart J, 2019 Jun;27:304-309). This amino acid position is highly conserved in available vertebrate species. In addition, this alteration is predicted to be deleterious by in silico analysis. Since supporting evidence is limited at this time, the clinical significance of this alteration remains unclear.

Fulgent Genetics
Classification: Uncertain significance for Short QT syndrome type 1; Long QT syndrome 2. Last evaluated: 2022-04-18. Review status: criteria provided, single submitter. Criteria: ACMG Guidelines, 2015. Collection method: clinical testing. Allele origin: unknown.

GeneDx
Classification: Uncertain significance. Last evaluated: 2019-08-14. Review status: criteria provided, single submitter. Criteria: GeneDx Variant Classification Process June 2021. Collection method: clinical testing. Allele origin: germline. Affected: yes.
Comment: Not observed at a significant frequency in large population cohorts (Lek et al., 2016); In silico analysis, which includes protein predictors and evolutionary conservation, supports a deleterious effect; This variant is associated with the following publications: (PMID: 25140878, 29247119, 30847666)

Literature cited by the submitters: PubMed 25140878 (cited by 3 submitters); PubMed 29247119 (cited by 3 submitters); PubMed 30847666 (cited by 3 submitters).